The following is an entry in ClinVar:

NM_001278669.2(NFATC1):c.964G>A (p.Asp322Asn)

Gene: NFATC1 (nuclear factor of activated T cells 1; plus strand). Cytogenetic location: 18q23.
Variant type: single nucleotide variant.
Coding change: c.964G>A on transcript NM_001278669.2 (MANE Select); coding-DNA position 964, G replaced by A.
Protein change: p.Asp322Asn; replaces aspartic acid 322 with asparagine.
Molecular consequence: missense variant. On other transcripts: intron variant (2).
Genome position (GRCh38, 1-based): chr18:79,411,239, G>A. VCF-style: chr18-79411239-G-A. GRCh37 (hg19) VCF-style: chr18-77171239-G-A.
Other names: c.964G>A, p.Asp322Asn (NM_001278670.2, NM_006162.5, NM_172390.3); c.925G>A, p.Asp309Asn (NM_001278672.2, NM_001278675.2, NM_172387.3 and 1 more transcripts); c.-191+14888G>A (NM_172388.3); c.-191+10760G>A (NM_001278673.2); short protein forms D309N, D322N.
Identifiers: ClinVar variation 3715381 (VCV003715381.2).

ClinVar aggregate classification (germline): Uncertain significance (1 of 4 stars; one submission).

gnomAD v4.1: 26 of 1,603,806 alleles (0.0016%); highest among the groups gnomAD compares: East Asian, 0.0045%; no homozygotes.

Submission:

Labcorp Genetics (formerly Invitae), Labcorp
Classification: Uncertain significance. Last evaluated: 2024-10-30. Review status: criteria provided, single submitter. Criteria: Invitae Variant Classification Sherloc (09022015). Collection method: clinical testing. Allele origin: germline.
Comment: This sequence change replaces aspartic acid, which is acidic and polar, with asparagine, which is neutral and polar, at codon 322 of the NFATC1 protein (p.Asp322Asn). This variant is present in population databases (rs369082822, gnomAD 0.006%). This missense change has been observed in individual(s) with trisucpid atresia (PMID: 34363434). An algorithm developed to predict the effect of missense changes on protein structure and function (PolyPhen-2) suggests that this variant is likely to be disruptive. Experimental studies have shown that this missense change affects NFATC1 function (PMID: 34363434). In summary, the available evidence is currently insufficient to determine the role of this variant in disease. Therefore, it has been classified as a Variant of Uncertain Significance.

Literature cited by the submitters: PubMed 34363434.